The following is an entry in ClinVar:

NM_013435.3(RAX):c.290-4C>A

Gene: RAX (retina and anterior neural fold homeobox; minus strand). Cytogenetic location: 18q21.32.
Variant type: single nucleotide variant.
Coding change: c.290-4C>A on transcript NM_013435.3 (MANE Select); 4 bases into the intron before coding-DNA position 290, C replaced by A.
Molecular consequence: intron variant.
Genome position (GRCh38, 1-based): chr18:59,272,618, G>T on the plus strand (C>A on the coding strand, the complement: RAX is on the minus strand). VCF-style: chr18-59272618-G-T. GRCh37 (hg19) VCF-style: chr18-56939850-G-T.
Identifiers: ClinVar variation 766849 (VCV000766849.40), dbSNP rs200338566, ClinGen allele CA8979378.

ClinVar aggregate classification (germline): Conflicting classifications of pathogenicity. Review status: criteria provided, conflicting classifications (1 of 4 stars). 5 submissions from 5 submitters: Uncertain significance (1); Likely benign (2). 2 of the submissions do not count toward it. Last evaluated 2026-01-20.

Conditions:
Isolated microphthalmia 3 (MCOPS16). Also called: MICROPHTHALMIA, SYNDROMIC 16. Identifiers: Orphanet 2542, MedGen C5774181, MONDO:0012604, OMIM 611038.

Allele frequency attached by ClinVar (database versions not stated): 1000 Genomes Project 30x 0.00016; 1000 Genomes Project 0.00020; ESP Exome Variant Server 0.00124; ExAC 0.00142; TOPMed 0.00146; gnomAD exomes 0.00154; gnomAD 0.00155 and 0.00163.
gnomAD v4.1: 3,596 of 1,608,296 alleles (0.22%); highest among the groups gnomAD compares: Non-Finnish European, 0.28%; 7 homozygotes.

Submissions (5):

Labcorp Genetics (formerly Invitae), Labcorp
Classification: Likely benign for Isolated microphthalmia 3. Last evaluated: 2026-01-20. Review status: criteria provided, single submitter. Criteria: Invitae Variant Classification Sherloc (09022015). Collection method: clinical testing. Allele origin: germline.

CeGaT Center for Human Genetics Tuebingen
Classification: Likely benign. Last evaluated: 2023-06-01. Review status: criteria provided, single submitter. Criteria: CeGaT Center For Human Genetics Tuebingen Variant Classification Criteria Version 2. Collection method: clinical testing. Allele origin: germline. Affected: yes. Observed: 1 variant allele.
Comment: RAX: BP4

Illumina Laboratory Services, Illumina
Classification: Uncertain significance for Isolated microphthalmia 3. Last evaluated: 2018-01-13. Review status: criteria provided, single submitter. Criteria: ICSL Variant Classification Criteria 13 December 2019. Collection method: clinical testing. Allele origin: germline.

Clinical Genetics DNA and cytogenetics Diagnostics Lab, Erasmus MC, Erasmus Medical Center
Classification: Likely benign. Review status: no assertion criteria provided. Collection method: clinical testing. Allele origin: germline. Affected: yes. Study: VKGL Data-share Consensus. Not counted in ClinVar's aggregate classification.

Clinical Genetics, Academic Medical Center
Classification: Benign. Review status: no assertion criteria provided. Collection method: clinical testing. Allele origin: germline. Affected: yes. Study: VKGL Data-share Consensus. Not counted in ClinVar's aggregate classification.